The following is an entry in ClinVar:

NM_152443.3(RDH12):c.301G>A (p.Asp101Asn)

Genes: GPHN (gephyrin; plus strand), RDH12 (retinol dehydrogenase 12; plus strand). Cytogenetic location: 14q24.1.
Variant type: single nucleotide variant.
Coding change: c.301G>A on transcript NM_152443.3 (MANE Select); coding-DNA position 301, G replaced by A.
Protein change: p.Asp101Asn; replaces aspartic acid 101 with asparagine.
Molecular consequence: missense variant.
Genome position (GRCh38, 1-based): chr14:67,725,212, G>A. VCF-style: chr14-67725212-G-A. GRCh37 (hg19) VCF-style: chr14-68191929-G-A.
Other names: short protein forms D101N.
Identifiers: ClinVar variation 860840 (VCV000860840.7), dbSNP rs148334092, ClinGen allele CA7238662.

ClinVar aggregate classification (germline): Uncertain significance. Review status: criteria provided, multiple submitters, no conflicts (2 of 4 stars). 4 submissions from 4 submitters: Uncertain significance (2). 2 of the submissions do not count toward it. Last evaluated 2024-11-30.

Conditions:
Leber congenital amaurosis (LCA). Also called: Leber's amaurosis. Identifiers: Orphanet 65, MedGen C0339527, MeSH D057130, MONDO:0018998.
Leber congenital amaurosis 13 (LCA13). Identifiers: MedGen C2675186, MONDO:0012990, OMIM 612712.
RDH12-related disorder. Also called: RDH12-related disorders; RDH12-related condition.

Allele frequency attached by ClinVar (database versions not stated): gnomAD exomes 0.00007 and 0.00026; 1000 Genomes Project 0.00020; ExAC 0.00024; 1000 Genomes Project 30x 0.00031; gnomAD 0.00036 and 0.00037; TOPMed 0.00044; ESP Exome Variant Server 0.00062.
gnomAD v4.1: 155 of 1,613,994 alleles (0.0096%); highest among the groups gnomAD compares: African/African-American, 0.13%; no homozygotes.

Submissions (4):

Labcorp Genetics (formerly Invitae), Labcorp
Classification: Uncertain significance for Leber congenital amaurosis 13. Last evaluated: 2024-11-30. Review status: criteria provided, single submitter. Criteria: Invitae Variant Classification Sherloc (09022015). Collection method: clinical testing. Allele origin: germline.
Comment: This sequence change replaces aspartic acid, which is acidic and polar, with asparagine, which is neutral and polar, at codon 101 of the RDH12 protein (p.Asp101Asn). This variant is present in population databases (rs148334092, gnomAD 0.1%). This variant has not been reported in the literature in individuals affected with RDH12-related conditions. ClinVar contains an entry for this variant (Variation ID: 860840). Invitae Evidence Modeling of protein sequence and biophysical properties (such as structural, functional, and spatial information, amino acid conservation, physicochemical variation, residue mobility, and thermodynamic stability) indicates that this missense variant is not expected to disrupt RDH12 protein function with a negative predictive value of 80%. In summary, the available evidence is currently insufficient to determine the role of this variant in disease. Therefore, it has been classified as a Variant of Uncertain Significance.

Blueprint Genetics
Classification: Uncertain significance. Last evaluated: 2023-05-24. Review status: criteria provided, single submitter. Criteria: ACMG Guidelines, 2015. Collection method: clinical testing. Allele origin: germline.

PreventionGenetics, part of Exact Sciences
Classification: Uncertain significance for RDH12-related condition. Last evaluated: 2024-09-18. Review status: no assertion criteria provided. Collection method: clinical testing. Allele origin: germline. Not counted in ClinVar's aggregate classification.
Comment: The RDH12 c.301G>A variant is predicted to result in the amino acid substitution p.Asp101Asn. To our knowledge, this variant has not been reported in the literature. This variant is reported in 0.14% of alleles in individuals of African descent in gnomAD, which may be too common to be an unreported cause of disease. Although we suspect that this variant may be benign, at this time, the clinical significance of this variant is uncertain due to the absence of conclusive functional and genetic evidence.

Natera, Inc.
Classification: Uncertain significance for Leber congenital amaurosis. Last evaluated: 2020-01-19. Review status: no assertion criteria provided. Collection method: clinical testing. Allele origin: germline. Not counted in ClinVar's aggregate classification.